The following is an entry in ClinVar:

NM_018075.5(ANO10):c.1219-2A>C

Gene: ANO10 (anoctamin 10; minus strand). Cytogenetic location: 3p22.1.
Variant type: single nucleotide variant.
Coding change: c.1219-2A>C on transcript NM_018075.5 (MANE Select); the canonical splice acceptor site of the intron before coding-DNA position 1219, A replaced by C.
Molecular consequence: splice acceptor variant.
Genome position (GRCh38, 1-based): chr3:43,565,729, T>G on the plus strand (A>C on the coding strand, the complement: ANO10 is on the minus strand). VCF-style: chr3-43565729-T-G. GRCh37 (hg19) VCF-style: chr3-43607221-T-G.
Other names: c.1021-2A>C (NM_001346469.2, NM_001204832.3, NM_001346466.2); c.1219-2A>C (NM_001346468.2, NM_001346465.2, NM_001204831.3 and 3 more transcripts); c.886-2A>C (NM_001204833.3); c.649-2A>C (NM_001204834.3).
Identifiers: ClinVar variation 4977437 (VCV004977437.1).

ClinVar aggregate classification (germline): Likely pathogenic (1 of 4 stars; one submission).

Conditions:
ANO10-related disorder. Also called: ANO10-related condition.

gnomAD v4.1: 19 of 1,500,968 alleles (0.0013%); highest among the groups gnomAD compares: African/African-American, 0.0032%; no homozygotes.

Submission:

PreventionGenetics, part of Exact Sciences
Classification: Likely pathogenic for ANO10-related condition. Last evaluated: 2025-04-10. Review status: criteria provided, single submitter. Criteria: ACMG Guidelines, 2015. Collection method: clinical testing. Allele origin: germline.
Comment: The ANO10 c.1219-2A>C variant is predicted to disrupt the AG splice acceptor site and interfere with normal splicing. To our knowledge, this variant has not been reported in the literature or in a large population database (gnomAD), indicating this variant is rare. Of note, another variant affecting the same consensus splice acceptor site (c.1219-1G>T) has been reported in the homozygous state in an individual with cerebellar ataxia (Bodranghien et al. 2017. PubMed ID: 28316589). Variants that disrupt the consensus splice acceptor site in ANO10 are expected to be pathogenic. This variant is interpreted as likely pathogenic.